The following is an entry in ClinVar:

NM_000059.4(BRCA2):c.3659A>T (p.Tyr1220Phe)

Gene: BRCA2 (BRCA2 DNA repair associated; plus strand). Cytogenetic location: 13q13.1.
Variant type: single nucleotide variant.
Coding change: c.3659A>T on transcript NM_000059.4 (MANE Select); coding-DNA position 3659, A replaced by T.
Protein change: p.Tyr1220Phe; replaces tyrosine 1220 with phenylalanine.
Molecular consequence: missense variant. On other transcripts: non-coding transcript variant (1), intron variant (2).
Genome position (GRCh38, 1-based): chr13:32,338,014, A>T. VCF-style: chr13-32338014-A-T. GRCh37 (hg19) VCF-style: chr13-32912151-A-T.
Other names: c.3659A>T, p.Tyr1220Phe (NM_001406719.1, NM_001406720.1, NM_001432077.1); c.1909+4627A>T (NM_001406721.1); c.425-6544A>T (NM_001406722.1); short protein forms Y1220F.
Identifiers: ClinVar variation 4629582 (VCV004629582.1).

ClinVar aggregate classification (germline): Uncertain significance (1 of 4 stars; one submission).

Conditions:
Hereditary cancer-predisposing syndrome. Also called: Neoplastic Syndromes, Hereditary; Tumor predisposition; Hereditary Cancer Syndrome; Hereditary neoplastic syndrome. Identifiers: Orphanet 140162, MedGen C0027672, MeSH D009386, MONDO:0015356.

Submission:

Ambry Genetics
Classification: Uncertain significance for Hereditary cancer-predisposing syndrome. Last evaluated: 2025-12-10. Review status: criteria provided, single submitter. Criteria: Ambry Variant Classification Scheme 2023. Collection method: clinical testing. Allele origin: germline.
Comment: The p.Y1220F variant (also known as c.3659A>T), located in coding exon 10 of the BRCA2 gene, results from an A to T substitution at nucleotide position 3659. The tyrosine at codon 1220 is replaced by phenylalanine, an amino acid with highly similar properties. This amino acid position is conserved. In addition, this alteration is predicted to be tolerated by in silico analysis. Based on the available evidence, the clinical significance of this variant remains unclear.